The following is an entry in ClinVar:

NM_014244.5(ADAMTS2):c.83_84delinsAGCAGCACGA (p.Leu28fs)

Gene: ADAMTS2 (ADAM metallopeptidase with thrombospondin type 1 motif 2; minus strand). Cytogenetic location: 5q35.3.
Variant type: Indel.
Coding change: c.83_84delinsAGCAGCACGA on transcript NM_014244.5 (MANE Select); coding-DNA positions 83 to 84, TG replaced by AGCAGCACGA.
Protein change: p.Leu28fs; shifts the reading frame from leucine 28.
Molecular consequence: frameshift variant.
Genome position (GRCh38, 1-based): chr5:179,345,245-179,345,246, CA replaced by TCGTGCTGCT on the plus strand (TG replaced by AGCAGCACGA on the coding strand, the reverse complement: ADAMTS2 is on the minus strand). VCF-style: chr5-179345245-CA-TCGTGCTGCT. GRCh37 (hg19) VCF-style: chr5-178772246-CA-TCGTGCTGCT.
Other names: c.83_84delinsAGCAGCACGA, p.Leu28fs (NM_021599.4); short protein forms L28fs.
Identifiers: ClinVar variation 5010612 (VCV005010612.1).
Genomic context (GRCh38, chr5:179,345,245, plus strand): 5'-CCTACCTGGGGGGTCGGCGGCGGCGGCGAGCCTGGCGTTCGCGGGCGGCGGCGGCGGCGG[CA>TCGTGCTGCT]GGAGCGGCGGCGGCAGCAGCAGCAGCAGCAGCAGCAGCGCGGGGCAGAGCAGGCGGCGAG-3'

ClinVar aggregate classification (germline): Pathogenic (1 of 4 stars; one submission).

Conditions:
Ehlers-Danlos syndrome, dermatosparaxis type. Also called: EDS VIIC; Dermatosparaxis; Ehlers-Danlos syndrome, type VII, autosomal recessive. Identifiers: Orphanet 1901, MedGen C2700425, MONDO:0009161, OMIM 225410.

Submission:

Myriad Genetics, Inc.
Classification: Pathogenic for Ehlers-Danlos syndrome, dermatosparaxis type. Last evaluated: 2024-05-14. Review status: criteria provided, single submitter. Criteria: Myriad Autosomal Dominant, Autosomal Recessive and X-Linked Classification Criteria (2023). Collection method: clinical testing. Allele origin: unknown.
Comment: NM_014244.4(ADAMTS2):c.83_84del2ins10(L28Qfs*140) is expected to be pathogenic in the context of Ehlers-Danlos syndrome, ADAMTS2-related. This variant is predicted to lead to an abnormal or absent protein product due to the creation of a premature termination codon in ADAMTS2, a gene where loss-of-function variants are known to be pathogenic. Please note: this variant was assessed in the context of healthy population screening.